The following is an entry in ClinVar:

ClinVar aggregate classification (germline): Likely pathogenic (0 of 4 stars; one submission).

Conditions:
Hereditary factor IX deficiency disease (HEMB). Also called: PLASMA THROMBOPLASTIN COMPONENT DEFICIENCY; Hemophilia B; F9 DEFICIENCY; FACTOR IX DEFICIENCY; Christmas Disease. Identifiers: Orphanet 98879, MedGen C0008533, MeSH D002836, MONDO:0010604, OMIM 306900.

Allele frequency attached by ClinVar (database versions not stated): TOPMed 0.00001.

Submission:

ISTH-SSC Genomics in Thrombosis and Hemostasis, KU Leuven, Center for Molecular and Vascular Biology
Classification: Likely pathogenic for Hereditary factor IX deficiency disease. Review status: no assertion criteria provided. Collection method: research. Allele origin: unknown. Affected: yes.
Comment: Submitted to GoldVariant by Dr Karyn Mégy from NIHR Bioresource - Cambridge University, UK

NM_000133.4(F9):c.271T>A (p.Tyr91Asn)

Gene: F9 (coagulation factor IX; plus strand). Cytogenetic location: Xq27.1.
Variant type: single nucleotide variant.
Coding change: c.271T>A on transcript NM_000133.4 (MANE Select); coding-DNA position 271, T replaced by A.
Protein change: p.Tyr91Asn; replaces tyrosine 91 with asparagine.
Molecular consequence: missense variant.
Genome position (GRCh38, 1-based): chrX:139,537,380, T>A. VCF-style: chrX-139537380-T-A. GRCh37 (hg19) VCF-style: chrX-138619539-T-A.
Other names: c.271T>A, p.Tyr91Asn (NM_001313913.2); short protein forms Y91N.
Identifiers: ClinVar variation 1684374 (VCV001684374.1), dbSNP rs1927507602, ClinGen allele CA414436654.